The following is an entry in ClinVar:

NM_001034853.2(RPGR):c.360G>A (p.Gly120=)

Gene: RPGR (retinitis pigmentosa GTPase regulator; minus strand). Cytogenetic location: Xp11.4.
Variant type: single nucleotide variant.
Coding change: c.360G>A on transcript NM_001034853.2 (MANE Select); coding-DNA position 360, G replaced by A.
Protein change: p.Gly120=; no amino-acid change (glycine 120 retained).
Molecular consequence: synonymous variant. On other transcripts: non-coding transcript variant (6).
Genome position (GRCh38, 1-based): chrX:38,318,938, C>T on the plus strand (G>A on the coding strand, the complement: RPGR is on the minus strand). VCF-style: chrX-38318938-C-T. GRCh37 (hg19) VCF-style: chrX-38178191-C-T.
Other names: NM_001034853.2(RPGR):c.360G>A; p.Gly120=; c.360G>A, p.Gly120= (NM_000328.3, NM_001367245.1, NM_001367246.1 and 3 more transcripts); c.390G>A, p.Gly130= (NM_001367248.1); c.357G>A, p.Gly119= (NM_001367249.1).
Identifiers: ClinVar variation 2043109 (VCV002043109.5), dbSNP rs886154351, ClinGen allele CA327939277.

ClinVar aggregate classification (germline): Likely benign. Review status: reviewed by expert panel (3 of 4 stars). 2 submissions from 2 submitters: Likely benign (1). 1 of the submissions does not count toward it. Last evaluated 2026-11-20.

Conditions:
Primary ciliary dyskinesia. Also called: Ciliary dyskinesia. Identifiers: Orphanet 244, MedGen C0008780, MONDO:0016575, HP:0012265.
RPGR-related retinopathy. Also called: RPGR retinopathy. Identifiers: MedGen CN305589, MONDO:0100437.

Allele frequency attached by ClinVar (database versions not stated): TOPMed 0.00001; gnomAD 0.00004.
gnomAD v4.1: 4 of 1,210,311 alleles (0.00033%); highest among the groups gnomAD compares: African/African-American, 0.007%; no homozygotes.

Submissions (2):

ClinGen X-linked Inherited Retinal Disease Variant Curation Expert Panel, ClinGen
Classification: Likely benign for RPGR-related retinopathy. Last evaluated: 2026-11-20. Review status: reviewed by expert panel. Criteria: ClinGen X LinkedIRD ACMG Specifications RPGR V1.0.0. Collection method: curation. Allele origin: germline. Inheritance: X-linked inheritance.
Comment: NM_001034853.2(RPGR):c.360G>A is a silent variant at codon 120 that does not have an impact at splicing sites according to Splice AI, which predicts a delta score of 0.06 for all splicing types, which is below the ClinGen X-linked IRD VCEP recommended threshold of <0.1 and does not strongly predict an impact on splicing (BP7, BP4). This variant is present in gnomAD v.4.1.2 at a frequency of 0.000002513 among hemizygous individuals (1 variant allele / 397,857 total hemizygous alleles), which falls between the ClinGen X-linked IRD VCEP PM2_Supporting and BS1 thresholds of 0.0000005 to 0.000005 and therefore does not meet these criteria. In summary, this variant is classified as likely benign for RPGR-related retinopathy based on the ClinGen X-linked Inherited Retinal Disease Expert Panel Specifications and the ACMG/AMP Variant Interpretation Guidelines for RPGR, Version 1.0.0, using the following evidence codes: BP4 and BP7.

Labcorp Genetics (formerly Invitae), Labcorp
Classification: Likely benign for Primary ciliary dyskinesia. Last evaluated: 2023-12-07. Review status: criteria provided, single submitter. Criteria: Invitae Variant Classification Sherloc (09022015). Collection method: clinical testing. Allele origin: germline. Not counted in ClinVar's aggregate classification.